The following is an entry in ClinVar:

NM_000400.4(ERCC2):c.1906C>T (p.Arg636Trp)

Gene: ERCC2 (ERCC excision repair 2, TFIIH core complex helicase subunit; minus strand). Cytogenetic location: 19q13.32.
Variant type: single nucleotide variant.
Coding change: c.1906C>T on transcript NM_000400.4 (MANE Select); coding-DNA position 1906, C replaced by T.
Protein change: p.Arg636Trp; replaces arginine 636 with tryptophan.
Molecular consequence: missense variant.
Genome position (GRCh38, 1-based): chr19:45,352,646, G>A on the plus strand (C>T on the coding strand, the complement: ERCC2 is on the minus strand). VCF-style: chr19-45352646-G-A. GRCh37 (hg19) VCF-style: chr19-45855904-G-A.
Other names: short protein forms R636W.
Identifiers: ClinVar variation 430093 (VCV000430093.5), dbSNP rs773359656, ClinGen allele CA9512976.

ClinVar aggregate classification (germline): Pathogenic/Likely pathogenic. Review status: criteria provided, multiple submitters, no conflicts (2 of 4 stars). 2 submissions from 2 submitters: Pathogenic (1); Likely pathogenic (1). Last evaluated 2024-11-19.

Allele frequency attached by ClinVar (database versions not stated): TOPMed 0.00001; ExAC 0.00002.
gnomAD v4.1: 29 of 1,613,934 alleles (0.0018%); highest among the groups gnomAD compares: South Asian, 0.0055%; no homozygotes.

Submissions (2):

Labcorp Genetics (formerly Invitae), Labcorp
Classification: Pathogenic. Last evaluated: 2024-11-19. Review status: criteria provided, single submitter. Criteria: Invitae Variant Classification Sherloc (09022015). Collection method: clinical testing. Allele origin: germline.
Comment: This sequence change replaces arginine, which is basic and polar, with tryptophan, which is neutral and slightly polar, at codon 636 of the ERCC2 protein (p.Arg636Trp). This variant is present in population databases (rs773359656, gnomAD 0.01%). This missense change has been observed in individual(s) with clnical features of trichothiodystrophy and/or ERCC2-related conditions (PMID: 23884229, 36980880; internal data). In at least one individual the data is consistent with being in trans (on the opposite chromosome) from a pathogenic variant. ClinVar contains an entry for this variant (Variation ID: 430093). Invitae Evidence Modeling of protein sequence and biophysical properties (such as structural, functional, and spatial information, amino acid conservation, physicochemical variation, residue mobility, and thermodynamic stability) indicates that this missense variant is expected to disrupt ERCC2 protein function with a positive predictive value of 80%. For these reasons, this variant has been classified as Pathogenic.

GeneDx
Classification: Likely pathogenic. Last evaluated: 2024-09-24. Review status: criteria provided, single submitter. Criteria: GeneDx Variant Classification Process June 2021. Collection method: clinical testing. Allele origin: germline. Affected: yes.
Comment: Identified in a patient with congenital cataracts with a second ERCC2 variant, however, it is not known whether this variant is on the same (in cis) or opposite allele (in trans) (PMID: 36980880); Identified in a mildly affected patient with TTD who harbors a second ERCC2 variant in cis (PMID: 23884229); In silico analysis supports that this missense variant has a deleterious effect on protein structure/function; This variant is associated with the following publications: (PMID: 31589614, 35595529, 23884229, 36980880)

Literature cited by the submitters: PubMed 23884229 (cited by Labcorp Genetics (formerly Invitae), Labcorp); PubMed 36980880 (cited by Labcorp Genetics (formerly Invitae), Labcorp).